The following is an entry in ClinVar:

ClinVar aggregate classification (germline): Benign (1 of 4 stars; one submission).

Conditions:
Multiple endocrine neoplasia type 2A. Also called: Multiple Endocrine Neoplasia Type 2A (MEN2A); MULTIPLE ENDOCRINE NEOPLASIA, TYPE IIA; PTC SYNDROME; SIPPLE SYNDROME; MEN 2A; MEN-2A syndrome. Identifiers: Orphanet 247698, Orphanet 653, MedGen C0025268, MeSH D018813, MONDO:0008234, OMIM 171400.

Submission:

Myriad Genetics, Inc.
Classification: Benign for Multiple endocrine neoplasia type 2A. Last evaluated: 2025-02-26. Review status: criteria provided, single submitter. Criteria: Myriad Autosomal Dominant, Autosomal Recessive and X-Linked Classification Criteria (2023). Collection method: clinical testing. Allele origin: unknown.
Comment: This variant is considered benign. This variant is a silent/synonymous amino acid change and it is not expected to impact splicing.

NM_020975.6(RET):c.1812T>C (p.Ala604=)

Gene: RET (ret proto-oncogene; plus strand). Cytogenetic location: 10q11.21.
Variant type: single nucleotide variant.
Coding change: c.1812T>C on transcript NM_020975.6 (MANE Select); coding-DNA position 1812, T replaced by C.
Protein change: p.Ala604=; no amino-acid change (alanine 604 retained).
Molecular consequence: synonymous variant. On other transcripts: intron variant (2).
Genome position (GRCh38, 1-based): chr10:43,113,608, T>C. VCF-style: chr10-43113608-T-C. GRCh37 (hg19) VCF-style: chr10-43609056-T-C.
Other names: c.1050T>C, p.Ala350= (NM_001355216.2); c.1812T>C, p.Ala604= (NM_001406743.1, NM_001406744.1, NM_001406759.1 and 4 more transcripts); c.1683T>C, p.Ala561= (NM_001406761.1, NM_001406762.1, NM_001406764.1 and 1 more transcripts); c.1524T>C, p.Ala508= (NM_001406766.1, NM_001406767.1, NM_001406770.1); c.1416T>C, p.Ala472= (NM_001406769.1, NM_001406772.1); c.1374T>C, p.Ala458= (NM_001406771.1, NM_001406773.1); c.1287T>C, p.Ala429= (NM_001406774.1); c.1086T>C, p.Ala362= (NM_001406775.1, NM_001406776.1, NM_001406777.1 and 1 more transcripts); and 7 more.
Identifiers: ClinVar variation 3904590 (VCV003904590.1).